The following is an entry in ClinVar:

ClinVar aggregate classification (germline): Uncertain significance (1 of 4 stars; one submission).

Conditions:
Pyogenic arthritis-pyoderma gangrenosum-acne syndrome (PAPA). Also called: FAMILIAL RECURRENT ARTHRITIS; PAPA SYNDROME. Identifiers: Orphanet 69126, MedGen C1858361, MONDO:0011462, OMIM 604416.

Allele frequency attached by ClinVar (database versions not stated): TOPMed 0.00001.
gnomAD v4.1: 8 of 1,581,778 alleles (0.00051%); highest among the groups gnomAD compares: African/African-American, 0.0027%; no homozygotes.

Submission:

Labcorp Genetics (formerly Invitae), Labcorp
Classification: Uncertain significance for Pyogenic arthritis-pyoderma gangrenosum-acne syndrome. Last evaluated: 2022-12-16. Review status: criteria provided, single submitter. Criteria: Invitae Variant Classification Sherloc (09022015). Collection method: clinical testing. Allele origin: germline.
Comment: Algorithms developed to predict the effect of sequence changes on RNA splicing suggest that this variant may create or strengthen a splice site. This variant has not been reported in the literature in individuals affected with PSTPIP1-related conditions. The frequency data for this variant in the population databases is considered unreliable, as metrics indicate poor data quality at this position in the gnomAD database. This sequence change affects codon 281 of the PSTPIP1 mRNA. It is a 'silent' change, meaning that it does not change the encoded amino acid sequence of the PSTPIP1 protein. In summary, the available evidence is currently insufficient to determine the role of this variant in disease. Therefore, it has been classified as a Variant of Uncertain Significance.

NM_003978.5(PSTPIP1):c.843G>A (p.Pro281=)

Gene: PSTPIP1 (proline-serine-threonine phosphatase interacting protein 1; plus strand). Cytogenetic location: 15q24.3.
Variant type: single nucleotide variant.
Coding change: c.843G>A on transcript NM_003978.5 (MANE Select); coding-DNA position 843, G replaced by A.
Protein change: p.Pro281=; no amino-acid change (proline 281 retained).
Molecular consequence: synonymous variant. On other transcripts: intron variant (1).
Genome position (GRCh38, 1-based): chr15:77,032,866, G>A. VCF-style: chr15-77032866-G-A. GRCh37 (hg19) VCF-style: chr15-77325207-G-A.
Other names: c.816G>A, p.Pro272= (NM_001321136.2); c.1038G>A, p.Pro346= (NM_001321137.1); c.843G>A, p.Pro281= (NM_001411086.1); c.872+438G>A (NM_001321135.2).
Identifiers: ClinVar variation 3019772 (VCV003019772.3), dbSNP rs1351984397, ClinGen allele CA491335980.